The following is an entry in ClinVar:

NM_014363.6(SACS):c.3370C>G (p.Leu1124Val)

Gene: SACS (sacsin molecular chaperone; minus strand). Cytogenetic location: 13q12.12.
Variant type: single nucleotide variant.
Coding change: c.3370C>G on transcript NM_014363.6 (MANE Select); coding-DNA position 3370, C replaced by G.
Protein change: p.Leu1124Val; replaces leucine 1124 with valine.
Molecular consequence: missense variant.
Genome position (GRCh38, 1-based): chr13:23,340,506, G>C on the plus strand (C>G on the coding strand, the complement: SACS is on the minus strand). VCF-style: chr13-23340506-G-C. GRCh37 (hg19) VCF-style: chr13-23914645-G-C.
Other names: c.2929C>G, p.Leu977Val (NM_001278055.2); short protein forms L1124V, L977V.
Identifiers: ClinVar variation 1311742 (VCV001311742.2), dbSNP rs2137636093, ClinGen allele CA387535620.

ClinVar aggregate classification (germline): Uncertain significance (1 of 4 stars; one submission).

Submission:

GeneDx
Classification: Uncertain significance. Last evaluated: 2020-01-03. Review status: criteria provided, single submitter. Criteria: GeneDx Variant Classification Process June 2021. Collection method: clinical testing. Allele origin: germline. Affected: yes.
Comment: Has not been previously published as pathogenic or benign to our knowledge; Not observed in large population cohorts (Lek et al., 2016); In silico analysis, which includes protein predictors and evolutionary conservation, supports that this variant does not alter protein structure/function